The following is an entry in ClinVar:

NM_014264.5(PLK4):c.2322+6T>C

Gene: PLK4 (polo like kinase 4; plus strand). Cytogenetic location: 4q28.1.
Variant type: single nucleotide variant.
Coding change: c.2322+6T>C on transcript NM_014264.5 (MANE Select); 6 bases into the intron after coding-DNA position 2322, T replaced by C.
Molecular consequence: intron variant.
Genome position (GRCh38, 1-based): chr4:127,893,424, T>C. VCF-style: chr4-127893424-T-C. GRCh37 (hg19) VCF-style: chr4-128814579-T-C.
Other names: c.2226+6T>C (NM_001190799.2); c.2199+6T>C (NM_001190801.2).
Identifiers: ClinVar variation 3036107 (VCV003036107.2), dbSNP rs2546022953, ClinGen allele CA2672038003.

ClinVar aggregate classification (germline): Likely benign (0 of 4 stars; one submission).

Conditions:
PLK4-related disorder. Also called: PLK4-related condition.

Allele frequency attached by ClinVar (database versions not stated): gnomAD exomes below 0.00001.
gnomAD v4.1: 4 of 1,604,004 alleles (0.00025%); highest among the groups gnomAD compares: Non-Finnish European, 0.00026%; no homozygotes.

Submission:

PreventionGenetics, part of Exact Sciences
Classification: Likely benign for PLK4-related condition. Last evaluated: 2022-05-10. Review status: no assertion criteria provided. Collection method: clinical testing. Allele origin: germline.
Comment: This variant is classified as likely benign based on ACMG/AMP sequence variant interpretation guidelines (Richards et al. 2015 PMID: 25741868, with internal and published modifications).